The following is an entry in ClinVar:

ClinVar aggregate classification (germline): Pathogenic/Likely pathogenic. Review status: criteria provided, multiple submitters, no conflicts (2 of 4 stars). 2 submissions from 2 submitters: Pathogenic (1); Likely pathogenic (1). Last evaluated 2026-04-08.

Conditions:
Hereditary hyperekplexia. Identifiers: Orphanet 3197, MedGen C4084968, MONDO:0021022.

Allele frequency attached by ClinVar (database versions not stated): gnomAD exomes below 0.00001 and 0.00001; ExAC 0.00001.
gnomAD v4.1: 5 of 1,612,868 alleles (0.00031%); highest among the groups gnomAD compares: East Asian, 0.0022%; no homozygotes.

Submissions (2):

GeneDx
Classification: Likely pathogenic. Last evaluated: 2026-04-08. Review status: criteria provided, single submitter. Criteria: GeneDx Variant Classification Process June 2021. Collection method: clinical testing. Allele origin: germline.
Comment: Identified as a single heterozygous variant in a proband with hyperekplexia (PMID: 22532536); Nonsense variant predicted to result in protein truncation or nonsense mediated decay in a gene for which loss of function is a known mechanism of disease; This variant is associated with the following publications: (PMID: 28122427, 30866851, 22532536)

Labcorp Genetics (formerly Invitae), Labcorp
Classification: Pathogenic for Hereditary hyperekplexia. Last evaluated: 2022-12-28. Review status: criteria provided, single submitter. Criteria: Invitae Variant Classification Sherloc (09022015). Collection method: clinical testing. Allele origin: germline.
Comment: ClinVar contains an entry for this variant (Variation ID: 1459155). This sequence change creates a premature translational stop signal (p.Arg299*) in the GLRA1 gene. It is expected to result in an absent or disrupted protein product. Loss-of-function variants in GLRA1 are known to be pathogenic (PMID: 20631190, 24108130). This variant is present in population databases (rs757488419, gnomAD 0.01%). This premature translational stop signal has been observed in individuals with hyperekplexia (PMID: 22532536, 30866851). For these reasons, this variant has been classified as Pathogenic.

Literature cited by the submitters: PubMed 20631190 (cited by Labcorp Genetics (formerly Invitae), Labcorp); PubMed 24108130 (cited by Labcorp Genetics (formerly Invitae), Labcorp); PubMed 22532536 (cited by Labcorp Genetics (formerly Invitae), Labcorp); PubMed 30866851 (cited by Labcorp Genetics (formerly Invitae), Labcorp).

NM_000171.4(GLRA1):c.895C>T (p.Arg299Ter)

Gene: GLRA1 (glycine receptor alpha 1; minus strand). Cytogenetic location: 5q33.1.
Variant type: single nucleotide variant.
Coding change: c.895C>T on transcript NM_000171.4 (MANE Select); coding-DNA position 895, C replaced by T.
Protein change: p.Arg299Ter; replaces arginine 299 with a stop codon.
Molecular consequence: nonsense.
Genome position (GRCh38, 1-based): chr5:151,851,407, G>A on the plus strand (C>T on the coding strand, the complement: GLRA1 is on the minus strand). VCF-style: chr5-151851407-G-A. GRCh37 (hg19) VCF-style: chr5-151230968-G-A.
Other names: c.895C>T, p.Arg299Ter (NM_001146040.2); c.646C>T, p.Arg216Ter (NM_001292000.2); c.895C>T (NM_000171.3); short protein forms R216*, R299*.
Identifiers: ClinVar variation 1459155 (VCV001459155.7), dbSNP rs757488419, ClinGen allele CA3523592.